The following is an entry in ClinVar:

NM_194248.3(OTOF):c.1422T>A (p.Tyr474Ter)

Gene: OTOF (otoferlin; minus strand). Cytogenetic location: 2p23.3.
Variant type: single nucleotide variant.
Coding change: c.1422T>A on transcript NM_194248.3 (MANE Select); coding-DNA position 1422, T replaced by A.
Protein change: p.Tyr474Ter; replaces tyrosine 474 with a stop codon.
Molecular consequence: nonsense.
Genome position (GRCh38, 1-based): chr2:26,482,563, A>T on the plus strand (T>A on the coding strand, the complement: OTOF is on the minus strand). VCF-style: chr2-26482563-A-T. GRCh37 (hg19) VCF-style: chr2-26705431-A-T.
Other names: c.1422T>A, p.Tyr474Ter (NM_001287489.2); short protein forms Y474*.
Identifiers: ClinVar variation 446438 (VCV000446438.4), dbSNP rs1403112959, ClinGen allele CA346135844.

ClinVar aggregate classification (germline): Pathogenic. Review status: criteria provided, multiple submitters, no conflicts (2 of 4 stars). 2 submissions from 2 submitters: Pathogenic (2). Last evaluated 2023-07-09.

Conditions:
Autosomal recessive nonsyndromic hearing loss 9. Also called: AUDITORY NEUROPATHY, AUTOSOMAL RECESSIVE, 1, TEMPERATURE-SENSITIVE; NEUROSENSORY NONSYNDROMIC RECESSIVE DEAFNESS 9; Deafness, autosomal recessive 9; OTOF-Related Hearing Loss. Identifiers: Orphanet 90636, MedGen C1832828, MONDO:0010986, OMIM 601071.

Allele frequency attached by ClinVar (database versions not stated): gnomAD exomes below 0.00001; gnomAD 0.00001.
gnomAD v4.1: 2 of 1,613,156 alleles (0.00012%); highest among the groups gnomAD compares: East Asian, 0.0045%; no homozygotes.

Submissions (2):

Labcorp Genetics (formerly Invitae), Labcorp
Classification: Pathogenic. Last evaluated: 2023-07-09. Review status: criteria provided, single submitter. Criteria: Invitae Variant Classification Sherloc (09022015). Collection method: clinical testing. Allele origin: germline.
Comment: This sequence change creates a premature translational stop signal (p.Tyr474*) in the OTOF gene. It is expected to result in an absent or disrupted protein product. Loss-of-function variants in OTOF are known to be pathogenic (PMID: 18381613, 19250381, 22575033). This variant is not present in population databases (gnomAD no frequency). This premature translational stop signal has been observed in individual(s) with OTOF-related conditions (PMID: 22575033). ClinVar contains an entry for this variant (Variation ID: 446438). For these reasons, this variant has been classified as Pathogenic.

Division of Hearing and Balance Research, National Hospital Organization Tokyo Medical Center
Classification: Pathogenic for Autosomal recessive nonsyndromic hearing loss 9. Last evaluated: 2017-07-01. Review status: criteria provided, single submitter. Criteria: Submitter's publication. Collection method: clinical testing. Allele origin: germline. Affected: yes. Observed: 1 variant allele.

Literature cited by the submitters: PubMed 18381613 (cited by Labcorp Genetics (formerly Invitae), Labcorp); PubMed 19250381 (cited by Labcorp Genetics (formerly Invitae), Labcorp); PubMed 22575033 (cited by Labcorp Genetics (formerly Invitae), Labcorp).